The following is an entry in ClinVar:

ClinVar aggregate classification (germline): Uncertain significance (1 of 4 stars; one submission).

Conditions:
Inborn genetic diseases. Identifiers: MedGen C0950123, MeSH D030342.

Submission:

Ambry Genetics
Classification: Uncertain significance for Inborn genetic diseases. Last evaluated: 2023-01-04. Review status: criteria provided, single submitter. Criteria: Ambry Variant Classification Scheme 2023. Collection method: clinical testing. Allele origin: germline.
Comment: The p.G247A variant (also known as c.740G>C), located in coding exon 6 of the BUB1B gene, results from a G to C substitution at nucleotide position 740. The glycine at codon 247 is replaced by alanine, an amino acid with similar properties. This amino acid position is conserved. In addition, this alteration is predicted to be tolerated by in silico analysis. Since supporting evidence is limited at this time, the clinical significance of this alteration remains unclear.

NM_001211.6(BUB1B):c.740G>C (p.Gly247Ala)

Gene: BUB1B (BUB1 mitotic checkpoint serine/threonine kinase B; plus strand). Cytogenetic location: 15q15.1.
Variant type: single nucleotide variant.
Coding change: c.740G>C on transcript NM_001211.6 (MANE Select); coding-DNA position 740, G replaced by C.
Protein change: p.Gly247Ala; replaces glycine 247 with alanine.
Molecular consequence: missense variant.
Genome position (GRCh38, 1-based): chr15:40,183,872, G>C. VCF-style: chr15-40183872-G-C. GRCh37 (hg19) VCF-style: chr15-40476073-G-C.
Other names: short protein forms G247A.
Identifiers: ClinVar variation 2462476 (VCV002462476.2), dbSNP rs2542533711, ClinGen allele CA391683505.
Genomic context (GRCh38, chr15:40,183,872, plus strand): 5'-TAGCTGAACTAAAGAGCAAAGGGAAAAAGACAGCAAGAGCTCCAATCATCCGTGTAGGAG[G>C]TGCTCTCAAGGGTAAGTTTGTTAAACGTTATTTCGGAAAACTGTTAGTTTCTAGTGGTAA-3'
Protein context (NP_001202.5, residues 237-257): TARAPIIRVG[Gly247Ala]ALKAPSQNRG